The following is an entry in ClinVar:

ClinVar aggregate classification (germline): Uncertain significance (1 of 4 stars; one submission).

Conditions:
Cardiovascular phenotype. Identifiers: MedGen CN230736.

gnomAD v4.1: 1 of 1,610,910 alleles (0.000062%); highest among the groups gnomAD compares: Non-Finnish European, 0.000085%; no homozygotes.

Submission:

Ambry Genetics
Classification: Uncertain significance for Cardiovascular phenotype. Last evaluated: 2025-08-12. Review status: criteria provided, single submitter. Criteria: Ambry Variant Classification Scheme 2023. Collection method: clinical testing. Allele origin: germline.
Comment: The p.A820D variant (also known as c.2459C>A), located in coding exon 16 of the GAA gene, results from a C to A substitution at nucleotide position 2459. The alanine at codon 820 is replaced by aspartic acid, an amino acid with dissimilar properties. This amino acid position is conserved. In addition, the in silico prediction for this alteration is inconclusive. Based on the available evidence, the clinical significance of this variant remains unclear.

NM_000152.5(GAA):c.2459C>A (p.Ala820Asp)

Gene: GAA (alpha glucosidase; plus strand). Cytogenetic location: 17q25.3.
Variant type: single nucleotide variant.
Coding change: c.2459C>A on transcript NM_000152.5 (MANE Select); coding-DNA position 2459, C replaced by A.
Protein change: p.Ala820Asp; replaces alanine 820 with aspartic acid.
Molecular consequence: missense variant.
Genome position (GRCh38, 1-based): chr17:80,117,727, C>A. VCF-style: chr17-80117727-C-A. GRCh37 (hg19) VCF-style: chr17-78091526-C-A.
Other names: c.2459C>A, p.Ala820Asp (NM_001079803.3, NM_001079804.3, NM_001406741.1 and 1 more transcripts); short protein forms A820D.
Identifiers: ClinVar variation 4261016 (VCV004261016.1).